The following is an entry in ClinVar:

ClinVar aggregate classification (germline): Benign. Review status: criteria provided, multiple submitters, no conflicts (2 of 4 stars). 3 submissions from 3 submitters: Benign (2). 1 of the submissions does not count toward it. Last evaluated 2019-12-31.

Conditions:
PTPRT-related disorder. Also called: PTPRT-related condition.

Allele frequency attached by ClinVar (database versions not stated): gnomAD exomes 0.00294 and 0.00740; ExAC 0.00897; gnomAD 0.02767 and 0.02982; 1000 Genomes Project 0.02776; ESP Exome Variant Server 0.03015; 1000 Genomes Project 30x 0.03154; TOPMed 0.03220.
gnomAD v4.1: 8,715 of 1,611,532 alleles (0.54%); highest among the groups gnomAD compares: African/African-American, 9.4%; 333 homozygotes.

Submissions (3):

Labcorp Genetics (formerly Invitae), Labcorp
Classification: Benign. Last evaluated: 2019-12-31. Review status: criteria provided, single submitter. Criteria: Invitae Variant Classification Sherloc (09022015). Collection method: clinical testing. Allele origin: germline.

Breakthrough Genomics
Classification: Benign. Review status: criteria provided, single submitter. Criteria: ACMG Guidelines, 2015. Collection method: not provided. Allele origin: germline. Inheritance: Unknown mechanism. Affected: yes.

PreventionGenetics, part of Exact Sciences
Classification: Benign for PTPRT-related condition. Last evaluated: 2019-03-08. Review status: no assertion criteria provided. Collection method: clinical testing. Allele origin: germline. Not counted in ClinVar's aggregate classification.
Comment: This variant is classified as benign based on ACMG/AMP sequence variant interpretation guidelines (Richards et al. 2015 PMID: 25741868, with internal and published modifications).

NM_007050.6(PTPRT):c.2514T>C (p.Leu838=)

Gene: PTPRT (protein tyrosine phosphatase receptor type T; minus strand). Cytogenetic location: 20q12.
Variant type: single nucleotide variant.
Coding change: c.2514T>C on transcript NM_007050.6 (MANE Select); coding-DNA position 2514, T replaced by C.
Protein change: p.Leu838=; no amino-acid change (leucine 838 retained).
Molecular consequence: synonymous variant.
Genome position (GRCh38, 1-based): chr20:42,161,520, A>G on the plus strand (T>C on the coding strand, the complement: PTPRT is on the minus strand). VCF-style: chr20-42161520-A-G. GRCh37 (hg19) VCF-style: chr20-40790160-A-G.
Other names: c.2571T>C, p.Leu857= (NM_133170.4).
Identifiers: ClinVar variation 778882 (VCV000778882.7), dbSNP rs35071062, ClinGen allele CA9864218.